The following is an entry in ClinVar:

ClinVar aggregate classification (germline): Conflicting classifications of pathogenicity. Review status: criteria provided, conflicting classifications (1 of 4 stars). 2 submissions from 2 submitters: Uncertain significance (1); Likely benign (1). Last evaluated 2025-12-24.

Conditions:
Hereditary cancer-predisposing syndrome. Also called: Hereditary neoplastic syndrome; Neoplastic Syndromes, Hereditary; Hereditary Cancer Syndrome; Tumor predisposition. Identifiers: Orphanet 140162, MedGen C0027672, MeSH D009386, MONDO:0015356.
Gastrointestinal stromal tumor. Also called: Gastrointestinal stromal tumor, somatic; Gastrointestinal stroma tumor. Identifiers: Orphanet 44890, MedGen C0238198, MeSH D046152, MONDO:0011719, OMIM 606764, HP:0100723.

Allele frequency attached by ClinVar (database versions not stated): gnomAD exomes below 0.00001.
gnomAD v4.1: 2 of 1,613,330 alleles (0.00012%); highest among the groups gnomAD compares: Non-Finnish European, 0.000085%; no homozygotes.

Submissions (2):

Labcorp Genetics (formerly Invitae), Labcorp
Classification: Uncertain significance for Gastrointestinal stromal tumor. Last evaluated: 2025-12-24. Review status: criteria provided, single submitter. Criteria: Invitae Variant Classification Sherloc (09022015). Collection method: clinical testing. Allele origin: germline.
Comment: This sequence change replaces lysine, which is basic and polar, with glutamine, which is neutral and polar, at codon 926 of the KIT protein (p.Lys926Gln). This variant is not present in population databases (gnomAD no frequency). This variant has not been reported in the literature in individuals affected with KIT-related conditions. ClinVar contains an entry for this variant (Variation ID: 940533). An algorithm developed to predict the effect of missense changes on protein structure and function outputs the following: PolyPhen-2: "Benign". The glutamine amino acid residue is found in multiple mammalian species, which suggests that this missense change does not adversely affect protein function. In summary, the available evidence is currently insufficient to determine the role of this variant in disease. Therefore, it has been classified as a Variant of Uncertain Significance.

Ambry Genetics
Classification: Likely benign for Hereditary cancer-predisposing syndrome. Last evaluated: 2025-02-27. Review status: criteria provided, single submitter. Criteria: Ambry Variant Classification Scheme 2023. Collection method: clinical testing. Allele origin: germline.

NM_000222.3(KIT):c.2776A>C (p.Lys926Gln)

Gene: KIT (KIT proto-oncogene, receptor tyrosine kinase; plus strand). Cytogenetic location: 4q12.
Variant type: single nucleotide variant.
Coding change: c.2776A>C on transcript NM_000222.3 (MANE Select); coding-DNA position 2776, A replaced by C.
Protein change: p.Lys926Gln; replaces lysine 926 with glutamine.
Molecular consequence: missense variant.
Genome position (GRCh38, 1-based): chr4:54,737,254, A>C. VCF-style: chr4-54737254-A-C. GRCh37 (hg19) VCF-style: chr4-55603420-A-C.
Other names: c.2764A>C, p.Lys922Gln (NM_001093772.2, NM_001385292.1); c.2779A>C, p.Lys927Gln (NM_001385284.1); c.2773A>C, p.Lys925Gln (NM_001385285.1); c.2761A>C, p.Lys921Gln (NM_001385286.1); c.2767A>C, p.Lys923Gln (NM_001385288.1); c.2776A>C, p.Lys926Gln (NM_001385290.1); short protein forms K922Q, K926Q, K921Q, K923Q, K925Q, K927Q.
Identifiers: ClinVar variation 940533 (VCV000940533.9), dbSNP rs1722972972, ClinGen allele CA356914513.
Genomic context (GRCh38, chr4:54,737,254, plus strand): 5'-TGCTGGGATGCAGATCCCCTAAAAAGACCAACATTCAAGCAAATTGTTCAGCTAATTGAG[A>C]AGCAGATTTCAGAGAGCACCAATCATGTGAGTATACCCTGGCCAGGCATAGAATCCCCCT-3'
Protein context (NP_000213.1, residues 916-936): TFKQIVQLIE[Lys926Gln]QISESTNHIY